The following is an entry in ClinVar:

NM_138295.5(PKD1L1):c.5866C>T (p.Arg1956Cys)

Gene: PKD1L1 (polycystin 1 like 1, transient receptor potential channel interacting; minus strand). Cytogenetic location: 7p12.3.
Variant type: single nucleotide variant.
Coding change: c.5866C>T on transcript NM_138295.5 (MANE Select); coding-DNA position 5866, C replaced by T.
Protein change: p.Arg1956Cys; replaces arginine 1956 with cysteine.
Molecular consequence: missense variant.
Genome position (GRCh38, 1-based): chr7:47,836,998, G>A on the plus strand (C>T on the coding strand, the complement: PKD1L1 is on the minus strand). VCF-style: chr7-47836998-G-A. GRCh37 (hg19) VCF-style: chr7-47876596-G-A.
Other names: short protein forms R1956C.
Identifiers: ClinVar variation 4975847 (VCV004975847.1).

ClinVar aggregate classification (germline): Uncertain significance (1 of 4 stars; one submission).

gnomAD v4.1: 24 of 1,614,080 alleles (0.0015%); highest among the groups gnomAD compares: African/African-American, 0.0027%; no homozygotes.

Submission:

GeneDx
Classification: Uncertain significance. Last evaluated: 2026-02-02. Review status: criteria provided, single submitter. Criteria: GeneDx Variant Classification Process June 2021. Collection method: clinical testing. Allele origin: germline.
Comment: In silico analysis supports that this missense variant has a deleterious effect on protein structure/function; Has not been previously published as pathogenic or benign to our knowledge